The following is an entry in ClinVar:

ClinVar aggregate classification (germline): Pathogenic (1 of 4 stars; one submission).

Conditions:
Maturity-onset diabetes of the young type 1. Also called: MODY, type I; MODY type 1; Diabetes mellitus MODY type 1; MODY HNF4A related; HNF4A-Related Maturity-Onset Diabetes of the Young Type 1; MILD JUVENILE DIABETES MELLITUS. Identifiers: Orphanet 552, MedGen C1852093, MONDO:0007452, OMIM 125850. Disease mechanism: loss of function.

Submission:

Exeter Genomics Laboratory, Royal Devon University Healthcare NHS Foundation Trust
Classification: Pathogenic for Maturity-onset diabetes of the young type 1. Last evaluated: 2021-10-05. Review status: criteria provided, single submitter. Criteria: ACMG Guidelines, 2015. Collection method: clinical testing. Allele origin: inherited. Inheritance: Autosomal dominant inheritance. Affected: yes. Observed: 6 variant alleles, 6 heterozygotes.
Comment: The c.48C>A variant in the HNF4 homeobox A gene, HNF4A, Results in the substitution of a tyrosine amino acid to a termination codon (p.Tyr16Ter) in exon 1 of the pancreatic specific HNF4A isoform NM_175914.5. This variant is predicted to generate an mRNA with a premature termination codon that would undergo nonsense mediated decay resulting in absent protein in a gene in which loss-of-function is an established disease mechanism (PVS1_Very Strong; PMID: 23348805). This variant is absent in gnomAD v2.1.1 (PM2_Supporting), and was identified by our laboratory in an individual with clinical history highly specific for HNF4A-MODY (MODY probability calculator result >50%, negative genetic testing for HNF1A, and antibody negative) (PP4_Moderate). This variant also segregated with diabetes in this family with 5 informative meioses (PP1_Strong). A different nucleotide change at this nucleotide position that also results in the same pathogenic p.Tyr16Ter amino acid change has been identified by this laboratory (c.48C>G) (PS1_Strong). In summary, c.48C>A meets the criteria to be classified as pathogenic for monogenic diabetes. ACMG/AMP criteria applied: PVS1_Very Strong, PS1_Strong, PP1_Strong, PP4_Moderate, PM2_Supporting.

NM_175914.5(HNF4A):c.48C>A (p.Tyr16Ter)

Gene: HNF4A (hepatocyte nuclear factor 4 alpha; plus strand). Cytogenetic location: 20q13.12.
Variant type: single nucleotide variant.
Coding change: c.48C>A on transcript NM_175914.5 (MANE Select); coding-DNA position 48, C replaced by A.
Protein change: p.Tyr16Ter; replaces tyrosine 16 with a stop codon.
Molecular consequence: nonsense. On other transcripts: 5 prime UTR variant (3).
Genome position (GRCh38, 1-based): chr20:44,355,852, C>A. VCF-style: chr20-44355852-C-A. GRCh37 (hg19) VCF-style: chr20-42984492-C-A.
Other names: c.48C>A, p.Tyr16Ter (NM_001030003.3, NM_001030004.3); c.-184C>A (NM_001287182.2, NM_001287183.2, NM_001287184.2); short protein forms Y16*.
Identifiers: ClinVar variation 1299753 (VCV001299753.1), dbSNP rs2146127862, ClinGen allele CA409109937.